The following is an entry in ClinVar:

ClinVar aggregate classification (germline): Likely pathogenic (1 of 4 stars; one submission).

Conditions:
KCNJ4-Related Neurodevelopmental Disorder.

gnomAD v4.1: 4 of 1,612,584 alleles (0.00025%); highest among the groups gnomAD compares: Non-Finnish European, 0.00025%; no homozygotes.

Submission:

Neurogenetic Laboratory, Second Faculty of Medicine, Charles University
Classification: Likely pathogenic for KCNJ4-Related Neurodevelopmental Disorder. Last evaluated: 2026-08-31. Review status: criteria provided, single submitter. Criteria: ACMG Guidelines, 2015. Collection method: research. Allele origin: de novo. Affected: yes.
Comment: NM_152868.3:c.440C>T, p.(Pro147Leu) is a missense variant located in exon 2 (coding exon 1) of the KCNJ4 gene. This alteration results from a C to T substitution at nucleotide position 440, causing the proline (P) at amino acid position 147 to be replaced by a leucine (L). Multiple lines of evidence support a deleterious effect on the gene product (PP3_Supporting; conservation, evolutionary, splicing, etc.). To our knowledge, no experimental evidence demonstrating an impact on protein function has been reported. The variant has been identified as a de novo occurrence with confirmation of paternity and maternity (PS2_Strong). This variant is present in gnomAD with frequency of 4 alleles (PM2_Moderate; version 4.1.0). In summary, this variant meets criteria to be classified as likely pathogenic based on ACMG criteria applied (Richards et al. Genet Med 2015;17(5):405-24).

NM_152868.3(KCNJ4):c.440C>T (p.Pro147Leu)

Gene: KCNJ4 (potassium inwardly rectifying channel subfamily J member 4; minus strand). Cytogenetic location: 22q13.1.
Variant type: single nucleotide variant.
Coding change: c.440C>T on transcript NM_152868.3 (MANE Select); coding-DNA position 440, C replaced by T.
Protein change: p.Pro147Leu; replaces proline 147 with leucine.
Molecular consequence: missense variant.
Genome position (GRCh38, 1-based): chr22:38,427,693, G>A on the plus strand (C>T on the coding strand, the complement: KCNJ4 is on the minus strand). VCF-style: chr22-38427693-G-A. GRCh37 (hg19) VCF-style: chr22-38823698-G-A.
Other names: c.440C>T, p.Pro147Leu (NM_004981.2); short protein forms P147L.
Identifiers: ClinVar variation 4974501 (VCV004974501.1).
Genomic context (GRCh38, chr22:38,427,693, plus strand): 5'-ATGAAGGAGTCGATGACGCAGCCCACGATGGACTGGACCACCACAGCGATGACTGCCAGC[G>A]GGCACTCCTCTGTCACGCACCGGAACCCATAGCCGATGGTCGTCTGCGTCTCCACCGAGA-3'
Protein context (NP_690607.1, residues 137-157): YGFRCVTEEC[Pro147Leu]LAVIAVVVQS